The following is an entry in ClinVar:

ClinVar aggregate classification (germline): Uncertain significance. Review status: criteria provided, multiple submitters, no conflicts (2 of 4 stars). 3 submissions from 3 submitters: Uncertain significance (3). Last evaluated 2025-07-23.

Conditions:
Ehlers-Danlos syndrome, classic type, 1 (EDSCL1). Also called: EDS I; EHLERS-DANLOS SYNDROME, GRAVIS TYPE; Ehlers-Danlos syndrome, type 1; Ehlers-Danlos Syndrome, Classic Type, COL5A1-Related; EHLERS-DANLOS SYNDROME, SEVERE CLASSIC TYPE. Identifiers: MedGen C0268335, MONDO:0019567, OMIM 130000.
Familial thoracic aortic aneurysm and aortic dissection (TAAD). Also called: Thoracic aortic aneurysms and dissections. Identifiers: Orphanet 91387, MedGen C4707243, MONDO:0019625.

gnomAD v4.1: 5 of 1,613,752 alleles (0.00031%); highest among the groups gnomAD compares: East Asian, 0.0022%; no homozygotes.

Submissions (3):

Labcorp Genetics (formerly Invitae), Labcorp
Classification: Uncertain significance for Ehlers-Danlos syndrome, classic type, 1. Last evaluated: 2025-07-23. Review status: criteria provided, single submitter. Criteria: Invitae Variant Classification Sherloc (09022015). Collection method: clinical testing. Allele origin: germline.
Comment: This sequence change replaces proline, which is neutral and non-polar, with serine, which is neutral and polar, at codon 1347 of the COL5A1 protein (p.Pro1347Ser). This variant is not present in population databases (gnomAD no frequency). This variant has not been reported in the literature in individuals affected with COL5A1-related conditions. ClinVar contains an entry for this variant (Variation ID: 529255). Invitae Evidence Modeling of protein sequence and biophysical properties (such as structural, functional, and spatial information, amino acid conservation, physicochemical variation, residue mobility, and thermodynamic stability) indicates that this missense variant is not expected to disrupt COL5A1 protein function with a negative predictive value of 95%. In summary, the available evidence is currently insufficient to determine the role of this variant in disease. Therefore, it has been classified as a Variant of Uncertain Significance.

Ambry Genetics
Classification: Uncertain significance for Familial thoracic aortic aneurysm and aortic dissection. Last evaluated: 2024-12-04. Review status: criteria provided, single submitter. Criteria: Ambry Variant Classification Scheme 2023. Collection method: clinical testing. Allele origin: germline.
Comment: The p.P1347S variant (also known as c.4039C>T), located in coding exon 51 of the COL5A1 gene, results from a C to T substitution at nucleotide position 4039. The proline at codon 1347 is replaced by serine, an amino acid with similar properties. This amino acid position is highly conserved in available vertebrate species. In addition, the in silico prediction for this alteration is inconclusive. Based on the available evidence, the clinical significance of this variant remains unclear.

Blueprint Genetics
Classification: Uncertain significance. Last evaluated: 2019-11-06. Review status: criteria provided, single submitter. Criteria: ACMG Guidelines, 2015. Collection method: clinical testing. Allele origin: germline.

NM_000093.5(COL5A1):c.4039C>T (p.Pro1347Ser)

Gene: COL5A1 (collagen type V alpha 1 chain; plus strand). Cytogenetic location: 9q34.3.
Variant type: single nucleotide variant.
Coding change: c.4039C>T on transcript NM_000093.5 (MANE Select); coding-DNA position 4039, C replaced by T.
Protein change: p.Pro1347Ser; replaces proline 1347 with serine.
Molecular consequence: missense variant.
Genome position (GRCh38, 1-based): chr9:134,815,600, C>T. VCF-style: chr9-134815600-C-T. GRCh37 (hg19) VCF-style: chr9-137707446-C-T.
Other names: c.4039C>T (NM_000093.3); c.4039C>T, p.Pro1347Ser (NM_001278074.1); short protein forms P1347S.
Identifiers: ClinVar variation 529255 (VCV000529255.12), dbSNP rs769470285, ClinGen allele CA375456255.